The following is an entry in ClinVar:

ClinVar aggregate classification (germline): Uncertain significance (1 of 4 stars; one submission).

Submission:

Labcorp Genetics (formerly Invitae), Labcorp
Classification: Uncertain significance. Last evaluated: 2024-07-30. Review status: criteria provided, single submitter. Criteria: Invitae Variant Classification Sherloc (09022015). Collection method: clinical testing. Allele origin: germline.
Comment: This sequence change replaces alanine, which is neutral and non-polar, with valine, which is neutral and non-polar, at codon 1438 of the AHDC1 protein (p.Ala1438Val). This variant is not present in population databases (gnomAD no frequency). This variant has not been reported in the literature in individuals affected with AHDC1-related conditions. An algorithm developed to predict the effect of missense changes on protein structure and function (PolyPhen-2) suggests that this variant is likely to be disruptive. In summary, the available evidence is currently insufficient to determine the role of this variant in disease. Therefore, it has been classified as a Variant of Uncertain Significance.

NM_001371928.1(AHDC1):c.4313C>T (p.Ala1438Val)

Gene: AHDC1 (AT-hook DNA binding motif containing 1; minus strand). Cytogenetic location: 1p36.11.
Variant type: single nucleotide variant.
Coding change: c.4313C>T on transcript NM_001371928.1 (MANE Select); coding-DNA position 4313, C replaced by T.
Protein change: p.Ala1438Val; replaces alanine 1438 with valine.
Molecular consequence: missense variant.
Genome position (GRCh38, 1-based): chr1:27,547,803, G>A on the plus strand (C>T on the coding strand, the complement: AHDC1 is on the minus strand). VCF-style: chr1-27547803-G-A. GRCh37 (hg19) VCF-style: chr1-27874314-G-A.
Other names: c.4313C>T, p.Ala1438Val (NM_001029882.3); short protein forms A1438V.
Identifiers: ClinVar variation 3695044 (VCV003695044.2).
Genomic context (GRCh38, chr1:27,547,803, plus strand): 5'-GAATCGTAGTGGGGCTGGCCCAGCGGCAGGTCCCGGCAGCTCAGGTGGGCCTGGGCTGCA[G>A]CTGCGTGGCCCAGGCTGGCCCCCTGGAGTCCATGCTTGAGGGGCTCGCAGGCAGCCAGCT-3'
Protein context (NP_001358857.1, residues 1428-1448): GLQGASLGHA[Ala1438Val]AAQAHLSCRD